The following is an entry in ClinVar:

NM_005045.4(RELN):c.4133C>G (p.Ser1378Cys)

Gene: RELN (reelin; minus strand). Cytogenetic location: 7q22.1.
Variant type: single nucleotide variant.
Coding change: c.4133C>G on transcript NM_005045.4 (MANE Select); coding-DNA position 4133, C replaced by G.
Protein change: p.Ser1378Cys; replaces serine 1378 with cysteine.
Molecular consequence: missense variant.
Genome position (GRCh38, 1-based): chr7:103,589,608, G>C on the plus strand (C>G on the coding strand, the complement: RELN is on the minus strand). VCF-style: chr7-103589608-G-C. GRCh37 (hg19) VCF-style: chr7-103230055-G-C.
Other names: c.4133C>G, p.Ser1378Cys (NM_173054.3); short protein forms S1378C.
Identifiers: ClinVar variation 661872 (VCV000661872.8), dbSNP rs751271323, ClinGen allele CA4421600.

ClinVar aggregate classification (germline): Uncertain significance (1 of 4 stars; one submission).

Conditions:
Familial temporal lobe epilepsy 7. Identifiers: Orphanet 101046, MedGen C4225327, MONDO:0014639, OMIM 616436.
Norman-Roberts syndrome (LIS2). Also called: Lissencephaly 2 (Norman-Roberts type). Identifiers: Orphanet 89844, MedGen C0796089, MONDO:0009760, OMIM 257320.

Allele frequency attached by ClinVar (database versions not stated): gnomAD exomes below 0.00001; ExAC 0.00001; TOPMed 0.00002; gnomAD 0.00003 and 0.00004.
gnomAD v4.1: 6 of 1,610,760 alleles (0.00037%); highest among the groups gnomAD compares: African/African-American, 0.008%; no homozygotes.

Submission:

Labcorp Genetics (formerly Invitae), Labcorp
Classification: Uncertain significance for Familial temporal lobe epilepsy 7; Norman-Roberts syndrome. Last evaluated: 2024-04-23. Review status: criteria provided, single submitter. Criteria: Invitae Variant Classification Sherloc (09022015). Collection method: clinical testing. Allele origin: germline.
Comment: This sequence change replaces serine, which is neutral and polar, with cysteine, which is neutral and slightly polar, at codon 1378 of the RELN protein (p.Ser1378Cys). This variant is present in population databases (rs751271323, gnomAD 0.01%). This variant has not been reported in the literature in individuals affected with RELN-related conditions. ClinVar contains an entry for this variant (Variation ID: 661872). Advanced modeling of protein sequence and biophysical properties (such as structural, functional, and spatial information, amino acid conservation, physicochemical variation, residue mobility, and thermodynamic stability) performed at Invitae indicates that this missense variant is not expected to disrupt RELN protein function with a negative predictive value of 80%. In summary, the available evidence is currently insufficient to determine the role of this variant in disease. Therefore, it has been classified as a Variant of Uncertain Significance.